The following is an entry in ClinVar:

NM_000152.5(GAA):c.2518C>G (p.Pro840Ala)

Gene: GAA (alpha glucosidase; plus strand). Cytogenetic location: 17q25.3.
Variant type: single nucleotide variant.
Coding change: c.2518C>G on transcript NM_000152.5 (MANE Select); coding-DNA position 2518, C replaced by G.
Protein change: p.Pro840Ala; replaces proline 840 with alanine.
Molecular consequence: missense variant.
Genome position (GRCh38, 1-based): chr17:80,118,229, C>G. VCF-style: chr17-80118229-C-G. GRCh37 (hg19) VCF-style: chr17-78092028-C-G.
Other names: c.2518C>G, p.Pro840Ala (NM_001079803.3, NM_001079804.3); short protein forms P840A.
Identifiers: ClinVar variation 1514233 (VCV001514233.5), dbSNP rs930247743, ClinGen allele CA294857971.

ClinVar aggregate classification (germline): Uncertain significance (1 of 4 stars; one submission).

Conditions:
Glycogen storage disease, type II (IOPD). Also called: GLYCOGENOSIS, GENERALIZED, CARDIAC FORM; GSD II; Glycogen storage disease type 2; Acid maltase deficiency disease; Aglucosidase alfa; Deficiency of alpha-glucosidase. Identifiers: Orphanet 365, MedGen C0017921, MONDO:0009290, OMIM 232300.

Allele frequency attached by ClinVar (database versions not stated): gnomAD exomes below 0.00001.
gnomAD v4.1: 4 of 1,613,046 alleles (0.00025%); highest among the groups gnomAD compares: Non-Finnish European, 0.00034%; no homozygotes.

Submission:

Labcorp Genetics (formerly Invitae), Labcorp
Classification: Uncertain significance for Glycogen storage disease, type II. Last evaluated: 2021-08-31. Review status: criteria provided, single submitter. Criteria: Invitae Variant Classification Sherloc (09022015). Collection method: clinical testing. Allele origin: germline.
Comment: This sequence change replaces proline with alanine at codon 840 of the GAA protein (p.Pro840Ala). The proline residue is highly conserved and there is a small physicochemical difference between proline and alanine. This variant is not present in population databases (ExAC no frequency). This variant has not been reported in the literature in individuals affected with GAA-related conditions. Advanced modeling of protein sequence and biophysical properties (such as structural, functional, and spatial information, amino acid conservation, physicochemical variation, residue mobility, and thermodynamic stability) performed at Invitae indicates that this missense variant is not expected to disrupt GAA protein function. In summary, the available evidence is currently insufficient to determine the role of this variant in disease. Therefore, it has been classified as a Variant of Uncertain Significance.